The following is an entry in ClinVar:

NM_152703.5(SAMD9L):c.3732T>A (p.Asn1244Lys)

Gene: SAMD9L (sterile alpha motif domain containing 9 like; minus strand). Cytogenetic location: 7q21.2.
Variant type: single nucleotide variant.
Coding change: c.3732T>A on transcript NM_152703.5 (MANE Select); coding-DNA position 3732, T replaced by A.
Protein change: p.Asn1244Lys; replaces asparagine 1244 with lysine.
Molecular consequence: missense variant.
Genome position (GRCh38, 1-based): chr7:93,132,240, A>T on the plus strand (T>A on the coding strand, the complement: SAMD9L is on the minus strand). VCF-style: chr7-93132240-A-T. GRCh37 (hg19) VCF-style: chr7-92761553-A-T.
Other names: c.3732T>A, p.Asn1244Lys (NM_001303496.3, NM_001303497.3, NM_001303498.3 and 5 more transcripts); short protein forms N1244K.
Identifiers: ClinVar variation 4741109 (VCV004741109.1).
Genomic context (GRCh38, chr7:93,132,240, plus strand): 5'-CAGATCTGATTGTAAATTTTTTAGGTGGGATGTGAACTTGCTAAGAGCCAAATAACATTC[A>T]TTTCTGGGATCAGGAGGAATGGTCCACTTTCCTGATAAAAATTGCACCATATGTTTTTTG-3'
Protein context (NP_689916.2, residues 1234-1254): GKWTIPPDPR[Asn1244Lys]ECYLALSKFT

ClinVar aggregate classification (germline): Uncertain significance (1 of 4 stars; one submission).

gnomAD v4.1: 3 of 1,613,828 alleles (0.00019%); highest among the groups gnomAD compares: South Asian, 0.0033%; no homozygotes.

Submission:

Labcorp Genetics (formerly Invitae), Labcorp
Classification: Uncertain significance. Last evaluated: 2025-07-30. Review status: criteria provided, single submitter. Criteria: Invitae Variant Classification Sherloc (09022015). Collection method: clinical testing. Allele origin: germline.
Comment: This sequence change replaces asparagine, which is neutral and polar, with lysine, which is basic and polar, at codon 1244 of the SAMD9L protein (p.Asn1244Lys). This variant is present in population databases (rs555805577, gnomAD 0.006%). This variant has not been reported in the literature in individuals affected with SAMD9L-related conditions. Invitae Evidence Modeling of protein sequence and biophysical properties (such as structural, functional, and spatial information, amino acid conservation, physicochemical variation, residue mobility, and thermodynamic stability) indicates that this missense variant is not expected to disrupt SAMD9L protein function with a negative predictive value of 80%. In summary, the available evidence is currently insufficient to determine the role of this variant in disease. Therefore, it has been classified as a Variant of Uncertain Significance.